The following is an entry in ClinVar:

ClinVar aggregate classification (germline): Pathogenic (1 of 4 stars; one submission).

Conditions:
Hereditary cancer-predisposing syndrome. Also called: Hereditary Cancer Syndrome; Neoplastic Syndromes, Hereditary; Hereditary neoplastic syndrome; Tumor predisposition. Identifiers: Orphanet 140162, MedGen C0027672, MeSH D009386, MONDO:0015356.

Submission:

Ambry Genetics
Classification: Pathogenic for Hereditary cancer-predisposing syndrome. Last evaluated: 2015-03-16. Review status: criteria provided, single submitter. Criteria: Ambry Autosomal Dominant and X-Linked criteria (10/2015). Collection method: clinical testing. Allele origin: germline. Observed: 1 variant allele.
Comment: The c.6358_6359insTTTAA pathogenic mutation, located in coding exon 42 of the NF1 gene, results from an insertion of 5 nucleotides at position 6358, causing a translational frameshift with a predicted alternate stop codon. Since frameshifts are typically deleterious in nature, this alteration is interpreted as a disease-causing mutation (ACMG Recommendations for Standards for Interpretation and Reporting of Sequence Variations. Revision 2007. Genet Med. 2008;10:294).

NM_001042492.3(NF1):c.6358_6359insTTTAA (p.Ala2120delinsValTer)

Gene: NF1 (neurofibromin 1; plus strand). Cytogenetic location: 17q11.2.
Variant type: Insertion.
Coding change: c.6358_6359insTTTAA on transcript NM_001042492.3 (MANE Select); coding-DNA positions 6358 to 6359, TTTAA inserted.
Protein change: p.Ala2120delinsValTer.
Molecular consequence: nonsense. On other transcripts: frameshift variant (1).
Genome position: GRCh38 VCF-style: chr17-31336845-G-GTTTAA. GRCh37 (hg19) VCF-style: chr17-29663863-G-GTTTAA.
Other names: c.6295_6296insTTTAA, p.Ala2099Valfs (NM_000267.4).
Identifiers: ClinVar variation 429017 (VCV000429017.3), dbSNP rs1131691133, ClinGen allele CA645369650.